The following is an entry in ClinVar:

ClinVar aggregate classification (germline): Uncertain significance (1 of 4 stars; one submission).

Conditions:
Long QT syndrome (LQTS). Identifiers: MedGen C0023976, MeSH D008133, MONDO:0002442. Disease mechanism: loss of function. Inheritance: Various modes of inheritance.

Allele frequency attached by ClinVar (database versions not stated): gnomAD 0.00001.

Submission:

Labcorp Genetics (formerly Invitae), Labcorp
Classification: Uncertain significance for Long QT syndrome. Last evaluated: 2018-08-21. Review status: criteria provided, single submitter. Criteria: Invitae Variant Classification Sherloc (09022015). Collection method: clinical testing. Allele origin: germline.
Comment: In summary, the available evidence is currently insufficient to determine the role of this variant in disease. Therefore, it has been classified as a Variant of Uncertain Significance. This sequence change replaces methionine with lysine at codon 1471 of the ANK2 protein (p.Met1471Lys). The methionine residue is weakly conserved and there is a moderate physicochemical difference between methionine and lysine. Algorithms developed to predict the effect of missense changes on protein structure and function (SIFT, PolyPhen-2, Align-GVGD) all suggest that this variant is likely to be tolerated, but these predictions have not been confirmed by published functional studies and their clinical significance is uncertain. This variant has not been reported in the literature in individuals with ANK2-related disease. This variant is not present in population databases (ExAC no frequency).

NM_001148.6(ANK2):c.4412T>A (p.Met1471Lys)

Gene: ANK2 (ankyrin 2; plus strand). Cytogenetic location: 4q26.
Variant type: single nucleotide variant.
Coding change: c.4412T>A on transcript NM_001148.6 (MANE Select); coding-DNA position 4412, T replaced by A.
Protein change: p.Met1471Lys; replaces methionine 1471 with lysine.
Molecular consequence: missense variant.
Genome position (GRCh38, 1-based): chr4:113,350,235, T>A. VCF-style: chr4-113350235-T-A. GRCh37 (hg19) VCF-style: chr4-114271391-T-A.
Other names: c.4457T>A, p.Met1486Lys (NM_001354240.2, NM_001354241.2, NM_001386144.1); c.4454T>A, p.Met1485Lys (NM_001354242.2, NM_001354231.2); c.4349T>A, p.Met1450Lys (NM_001354243.2, NM_001354255.2, NM_001386143.1); c.4346T>A, p.Met1449Lys (NM_001354244.2, NM_001354256.2, NM_001386161.1); c.4250T>A, p.Met1417Lys (NM_001354245.2, NM_001354262.2, NM_001354275.2); c.4409T>A, p.Met1470Lys (NM_001354246.2, NM_001354265.2, NM_001354235.2); c.4226T>A, p.Met1409Lys (NM_001354249.2, NM_001354266.2, NM_001354267.2 and 2 more transcripts); c.4382T>A, p.Met1461Lys (NM_001354252.2, NM_001354239.2); and 33 more; short protein forms M1343K, M1371K, M1376K, M1384K, M1393K, M1396K, M1417K, M1461K.
Identifiers: ClinVar variation 657682 (VCV000657682.5), dbSNP rs1588822287, ClinGen allele CA357914075.